The following is an entry in ClinVar:

NM_015214.3(DDHD2):c.375T>C (p.Tyr125=)

Gene: DDHD2 (DDHD domain containing 2; plus strand). Cytogenetic location: 8p11.23.
Variant type: single nucleotide variant.
Coding change: c.375T>C on transcript NM_015214.3 (MANE Select); coding-DNA position 375, T replaced by C.
Protein change: p.Tyr125=; no amino-acid change (tyrosine 125 retained).
Molecular consequence: synonymous variant. On other transcripts: non-coding transcript variant (2).
Genome position (GRCh38, 1-based): chr8:38,234,548, T>C. VCF-style: chr8-38234548-T-C. GRCh37 (hg19) VCF-style: chr8-38092066-T-C.
Other names: c.375T>C, p.Tyr125= (NM_001164232.2, NM_001164234.2, NM_001362911.2 and 3 more transcripts).
Identifiers: ClinVar variation 679494 (VCV000679494.40), dbSNP rs201640343, ClinGen allele CA4715950.

ClinVar aggregate classification (germline): Benign/Likely benign. Review status: criteria provided, multiple submitters, no conflicts (2 of 4 stars). 5 submissions from 5 submitters: Benign (4); Likely benign (1). Last evaluated 2026-02-01.

Conditions:
Hereditary spastic paraplegia 54. Also called: Spastic paraplegia 54, autosomal recessive. Identifiers: Orphanet 320380, MedGen C3539495, MONDO:0014018, OMIM 615033.
Hereditary spastic paraplegia. Also called: Familial spastic paraparesis. Identifiers: Orphanet 685, MedGen C0037773, MONDO:0019064. Disease mechanism: loss of function.

Allele frequency attached by ClinVar (database versions not stated): gnomAD 0.00002 and 0.00029; TOPMed 0.00007; gnomAD exomes 0.00069 and 0.00146; ExAC 0.00168; 1000 Genomes Project 30x 0.00234; 1000 Genomes Project 0.00240.
gnomAD v4.1: 1,060 of 1,611,714 alleles (0.066%); highest among the groups gnomAD compares: South Asian, 1.1%; 15 homozygotes.

Submissions (5):

CeGaT Center for Human Genetics Tuebingen
Classification: Benign. Last evaluated: 2026-02-01. Review status: criteria provided, single submitter. Criteria: CeGaT Center For Human Genetics Tuebingen Variant Classification Criteria Version 2. Collection method: clinical testing. Allele origin: germline. Affected: yes. Observed: 7 variant alleles.
Comment: DDHD2: BP4, BP7, BS1, BS2

Labcorp Genetics (formerly Invitae), Labcorp
Classification: Benign for Hereditary spastic paraplegia 54. Last evaluated: 2025-12-20. Review status: criteria provided, single submitter. Criteria: Invitae Variant Classification Sherloc (09022015). Collection method: clinical testing. Allele origin: germline.

Genome Diagnostics Laboratory, The Hospital for Sick Children
Classification: Likely benign for Hereditary spastic paraplegia. Last evaluated: 2020-12-29. Review status: criteria provided, single submitter. Criteria: ACMG Guidelines, 2015. Collection method: clinical testing. Allele origin: germline. Affected: yes.

GeneDx
Classification: Benign. Last evaluated: 2018-04-09. Review status: criteria provided, single submitter. Criteria: GeneDx Variant Classification (06012015). Collection method: clinical testing. Allele origin: germline. Affected: yes.
Comment: This variant is considered likely benign or benign based on one or more of the following criteria: it is a conservative change, it occurs at a poorly conserved position in the protein, it is predicted to be benign by multiple in silico algorithms, and/or has population frequency not consistent with disease.

Genetic Services Laboratory, University of Chicago
Classification: Benign. Last evaluated: 2017-11-10. Review status: criteria provided, single submitter. Criteria: ACMG Guidelines, 2015. Collection method: clinical testing. Allele origin: germline. Affected: no.